The following is an entry in ClinVar:

NM_001083619.3(GRIA2):c.905A>G (p.Asp302Gly)

Gene: GRIA2 (glutamate ionotropic receptor AMPA type subunit 2; plus strand). Cytogenetic location: 4q32.1.
Variant type: single nucleotide variant.
Coding change: c.905A>G on transcript NM_001083619.3 (MANE Select); coding-DNA position 905, A replaced by G.
Protein change: p.Asp302Gly; replaces aspartic acid 302 with glycine.
Molecular consequence: missense variant.
Genome position (GRCh38, 1-based): chr4:157,332,841, A>G. VCF-style: chr4-157332841-A-G. GRCh37 (hg19) VCF-style: chr4-158253993-A-G.
Other names: c.905A>G, p.Asp302Gly (NM_000826.6); c.764A>G, p.Asp255Gly (NM_001083620.3, NM_001379000.3, NM_001379001.3); short protein forms D302G, D255G.
Identifiers: ClinVar variation 929839 (VCV000929839.2), dbSNP rs1735116193, ClinGen allele CA358646527.

ClinVar aggregate classification (germline): Likely pathogenic. Review status: criteria provided, single submitter (1 of 4 stars). 2 submissions from 2 submitters: Likely pathogenic (1). 1 of the submissions does not count toward it. Last evaluated 2021-04-01.

Conditions:
Neurodevelopmental disorder with language impairment and behavioral abnormalities. Also called: GRIA2-related neurodevelopmental disorder. Identifiers: MedGen C5394502, MONDO:0030060, OMIM 618917.

Submissions (2):

SIB Swiss Institute of Bioinformatics
Classification: Likely pathogenic for Neurodevelopmental disorder with language impairment and behavioral abnormalities. Last evaluated: 2021-04-01. Review status: criteria provided, single submitter. Criteria: ACMG Guidelines, 2015. Collection method: curation. Allele origin: unknown.
Comment: This variant is interpreted as a likely pathogenic for Neurodevelopmental disorder with language impairment and behavioral abnormalities, autosomal dominant. The following ACMG Tag(s) were applied: Absent from controls (or at extremely low frequency if recessive) in Exome Sequencing Project, 1000 Genomes Project, or Exome Aggregation Consortium (PM2); De novo (paternity and maternity confirmed) (PS2 downgraded to moderate); Multiple lines of computational evidence support a deleterious effect on the gene or gene product (PP3); Missense variant in a gene that has a low rate of benign missense variation and in which missense variants are a common mechanism of disease (PP2); Well-established functional studies show a deleterious effect (PS3 downgraded to supporting).

OMIM
Classification: Pathogenic for NEURODEVELOPMENTAL DISORDER WITH LANGUAGE IMPAIRMENT AND BEHAVIORAL ABNORMALITIES. Last evaluated: 2020-06-25. Review status: no assertion criteria provided. Collection method: literature only. Allele origin: germline. Not counted in ClinVar's aggregate classification.

Literature cited by the submitters: PubMed 31300657 (cited by SIB Swiss Institute of Bioinformatics and OMIM).